The following is an entry in ClinVar:

ClinVar aggregate classification (germline): Likely pathogenic. Review status: reviewed by expert panel (3 of 4 stars). 3 submissions from 3 submitters: Likely pathogenic (1). 2 of the submissions do not count toward it. Last evaluated 2025-09-19.

Conditions:
Hereditary antithrombin deficiency (AT3D). Also called: Antithrombin III deficiency; Thrombophilia due to antithrombin III deficiency; Reduced antithrombin III activity; Antithrombin deficiency. Identifiers: Orphanet 82, MedGen C0272375, MONDO:0013144, OMIM 613118, HP:0001976.

Submissions (3):

Clingen Thrombosis Variant Curation Expert Panel, ClinGen
Classification: Likely pathogenic for Hereditary antithrombin deficiency. Last evaluated: 2025-09-19. Review status: reviewed by expert panel. Criteria: ClinGen ACMG Specifications SERPINC1 V1.0.0. Collection method: curation. Allele origin: germline. Inheritance: Autosomal dominant inheritance.
Comment: The c.283T>C (NM_000488.4) variant in SERPINC1 is a missense variant predicted to cause substitution of tyrosine by histidine at amino acid 95 (p.Tyr95His). This variant alters a highly conserved residue, in an alpha helix. The variant is absent from gnomAD v4.1.0 (PM2_supporting). The computational predictor REVEL gives a score of 0.93, which is above the threshold of 0.6, and correlates with a deleterious impact to SERPINC1 function (PP3). This variant has been reported in at least three probands meeting an antithrombin activity level of < 0.8 IU/mL (PS4_moderate/PP4: PMID: 37607435, 28300866). In-vitro functional studies in HEK293 cells, transfected with Y95H, demonstrated antithrombin antigen levels estimates in culture media were significantly reduced in Y95H (13 %), compared to WT. No differences were noted in the cell lysate of all constructs/ intracellular AT levels (PS3_supporting: PMID: 37607435). A different missense change (c.284A>G; p.Tyr95Cys) at this residue has been reported in the literature and classified as likely pathogenic using the PM5_supporting for this variant, so PM5_supporting is not applied to this variant to avoid curation circularity. In summary, this variant meets the criteria to be classified as likely pathogenic for antithrombin deficiency based on the ACMG/AMP criteria applied, as specified by the ClinGen Thrombosis VCEP (PS4_Moderate, PP4, PM2_supporting, PS3_supporting, PP3).

Labcorp Genetics (formerly Invitae), Labcorp
Classification: Uncertain significance for Hereditary antithrombin deficiency. Last evaluated: 2025-11-24. Review status: criteria provided, single submitter. Criteria: Invitae Variant Classification Sherloc (09022015). Collection method: clinical testing. Allele origin: germline. Not counted in ClinVar's aggregate classification.
Comment: This sequence change replaces tyrosine, which is neutral and polar, with histidine, which is basic and polar, at codon 95 of the SERPINC1 protein (p.Tyr95His). This variant is not present in population databases (gnomAD no frequency). This missense change has been observed in individual(s) with clinical features of antithrombin deficiency (PMID: 28300866, 37607435). ClinVar contains an entry for this variant (Variation ID: 1001692). Invitae Evidence Modeling of protein sequence and biophysical properties (such as structural, functional, and spatial information, amino acid conservation, physicochemical variation, residue mobility, and thermodynamic stability) has been performed for this missense variant. However, the output from this modeling did not meet the statistical confidence thresholds required to predict the impact of this variant on SERPINC1 protein function. Experimental studies have shown that this missense change affects SERPINC1 function (PMID: 37607435). In summary, the available evidence is currently insufficient to determine the role of this variant in disease. Therefore, it has been classified as a Variant of Uncertain Significance.

MVZ Martinsried, Medicover Genetics
Classification: Likely pathogenic for Hereditary antithrombin deficiency. Last evaluated: 2025-08-28. Review status: criteria provided, single submitter. Criteria: ClinGen Variant Curation SOP V3.2 + Classification Guidance July2025. Collection method: clinical testing. Allele origin: unknown. Affected: yes. Observed: 1 heterozygote. Not counted in ClinVar's aggregate classification.

Literature cited by the submitters: PubMed 28300866 (cited by Labcorp Genetics (formerly Invitae), Labcorp); PubMed 37607435 (cited by Labcorp Genetics (formerly Invitae), Labcorp).

NM_000488.4(SERPINC1):c.283T>C (p.Tyr95His)

Gene: SERPINC1 (serpin family C member 1; minus strand). Cytogenetic location: 1q25.1.
Variant type: single nucleotide variant.
Coding change: c.283T>C on transcript NM_000488.4 (MANE Select); coding-DNA position 283, T replaced by C.
Protein change: p.Tyr95His; replaces tyrosine 95 with histidine.
Molecular consequence: missense variant.
Genome position (GRCh38, 1-based): chr1:173,914,678, A>G on the plus strand (T>C on the coding strand, the complement: SERPINC1 is on the minus strand). VCF-style: chr1-173914678-A-G. GRCh37 (hg19) VCF-style: chr1-173883816-A-G.
Other names: NM_000488.4(SERPINC1):c.283T>C; p.Tyr95His; c.139T>C, p.Tyr47His (NM_001365052.2); short protein forms Y47H, Y95H.
Identifiers: ClinVar variation 1001692 (VCV001001692.8), dbSNP rs1657913203, ClinGen allele CA343777661.